The following is an entry in ClinVar:

NM_032043.3(BRIP1):c.1021G>A (p.Val341Ile)

Gene: BRIP1 (BRCA1 interacting DNA helicase 1; minus strand). Cytogenetic location: 17q23.2.
Variant type: single nucleotide variant.
Coding change: c.1021G>A on transcript NM_032043.3 (MANE Select); coding-DNA position 1021, G replaced by A.
Protein change: p.Val341Ile; replaces valine 341 with isoleucine.
Molecular consequence: missense variant.
Genome position (GRCh38, 1-based): chr17:61,801,372, C>T on the plus strand (G>A on the coding strand, the complement: BRIP1 is on the minus strand). VCF-style: chr17-61801372-C-T. GRCh37 (hg19) VCF-style: chr17-59878733-C-T.
Other names: short protein forms V341I.
Identifiers: ClinVar variation 216782 (VCV000216782.13), dbSNP rs863224797, ClinGen allele CA337093.

ClinVar aggregate classification (germline): Uncertain significance. Review status: criteria provided, multiple submitters, no conflicts (2 of 4 stars). 2 submissions from 2 submitters: Uncertain significance (2). Last evaluated 2023-08-17.

Conditions:
Familial cancer of breast. Also called: Hereditary breast cancer; BREAST CANCER, FAMILIAL; hereditary breast carcinoma. Identifiers: Orphanet 227535, MedGen C0346153, MONDO:0016419, OMIM 114480. Disease mechanism: loss of function.
Fanconi anemia complementation group J. Also called: BRIP1-Related Fanconi Anemia. Identifiers: Orphanet 84, MedGen C1836860, MONDO:0012187, OMIM 609054.
Hereditary cancer-predisposing syndrome. Also called: Tumor predisposition; Hereditary Cancer Syndrome; Neoplastic Syndromes, Hereditary; Hereditary neoplastic syndrome. Identifiers: Orphanet 140162, MedGen C0027672, MeSH D009386, MONDO:0015356.

Submissions (2):

Labcorp Genetics (formerly Invitae), Labcorp
Classification: Uncertain significance for Familial cancer of breast; Fanconi anemia complementation group J. Last evaluated: 2023-08-17. Review status: criteria provided, single submitter. Criteria: Invitae Variant Classification Sherloc (09022015). Collection method: clinical testing. Allele origin: germline.
Comment: This variant is not present in population databases (gnomAD no frequency). In summary, the available evidence is currently insufficient to determine the role of this variant in disease. Therefore, it has been classified as a Variant of Uncertain Significance. Advanced modeling of protein sequence and biophysical properties (such as structural, functional, and spatial information, amino acid conservation, physicochemical variation, residue mobility, and thermodynamic stability) performed at Invitae indicates that this missense variant is not expected to disrupt BRIP1 protein function. ClinVar contains an entry for this variant (Variation ID: 216782). This variant has not been reported in the literature in individuals affected with BRIP1-related conditions. This sequence change replaces valine, which is neutral and non-polar, with isoleucine, which is neutral and non-polar, at codon 341 of the BRIP1 protein (p.Val341Ile).

Ambry Genetics
Classification: Uncertain significance for Hereditary cancer-predisposing syndrome. Last evaluated: 2021-11-01. Review status: criteria provided, single submitter. Criteria: Ambry Variant Classification Scheme 2023. Collection method: clinical testing. Allele origin: germline.
Comment: The p.V341I variant (also known as c.1021G>A), located in coding exon 7 of the BRIP1 gene, results from a G to A substitution at nucleotide position 1021. The valine at codon 341 is replaced by isoleucine, an amino acid with highly similar properties. This amino acid position is highly conserved in available vertebrate species. In addition, this alteration is predicted to be tolerated by in silico analysis. Since supporting evidence is limited at this time, the clinical significance of this alteration remains unclear.